The following is an entry in ClinVar:

ClinVar aggregate classification (germline): Uncertain significance (1 of 4 stars; one submission).

Conditions:
Cardiomyopathy (CMYO). Also called: Cardiomyopathies. Identifiers: Orphanet 167848, MedGen C0878544, MONDO:0004994, HP:0001638. Inheritance: Various modes of inheritance.

gnomAD v4.1: 2 of 1,613,134 alleles (0.00012%); highest among the groups gnomAD compares: Non-Finnish European, 0.00017%; no homozygotes.

Submission:

Color Diagnostics, LLC DBA Color Health
Classification: Uncertain significance for Cardiomyopathy. Last evaluated: 2025-06-29. Review status: criteria provided, single submitter. Criteria: ACMG Guidelines, 2015. Collection method: clinical testing. Allele origin: germline.
Comment: This missense variant replaces leucine with proline at codon 707 of the DSC2 protein. Computational prediction is inconclusive regarding the impact of this variant on protein structure and function. To our knowledge, functional studies have not been reported for this variant. This variant has not been reported in individuals affected with DSC2-related disorders in the literature. This variant has been identified in 1/251128 chromosomes in the general population by the Genome Aggregation Database (gnomAD). The available evidence is insufficient to determine the role of this variant in disease conclusively. Therefore, this variant is classified as a Variant of Uncertain Significance.

NM_024422.6(DSC2):c.2120T>C (p.Leu707Pro)

Gene: DSC2 (desmocollin 2; minus strand). Cytogenetic location: 18q12.1.
Variant type: single nucleotide variant.
Coding change: c.2120T>C on transcript NM_024422.6 (MANE Select); coding-DNA position 2120, T replaced by C.
Protein change: p.Leu707Pro; replaces leucine 707 with proline.
Molecular consequence: missense variant.
Genome position (GRCh38, 1-based): chr18:31,071,610, A>G on the plus strand (T>C on the coding strand, the complement: DSC2 is on the minus strand). VCF-style: chr18-31071610-A-G. GRCh37 (hg19) VCF-style: chr18-28651576-A-G.
Other names: c.1691T>C, p.Leu564Pro (NM_001406506.1, NM_001406507.1); c.2120T>C, p.Leu707Pro (NM_004949.5); short protein forms L564P, L707P.
Identifiers: ClinVar variation 4758578 (VCV004758578.1).